The following is an entry in ClinVar:

NM_198578.4(LRRK2):c.4917G>C (p.Arg1639Ser)

Gene: LRRK2 (leucine rich repeat kinase 2; plus strand). Cytogenetic location: 12q12.
Variant type: single nucleotide variant.
Coding change: c.4917G>C on transcript NM_198578.4 (MANE Select); coding-DNA position 4917, G replaced by C.
Protein change: p.Arg1639Ser; replaces arginine 1639 with serine.
Molecular consequence: missense variant.
Genome position (GRCh38, 1-based): chr12:40,320,077, G>C. VCF-style: chr12-40320077-G-C. GRCh37 (hg19) VCF-style: chr12-40713879-G-C.
Other names: short protein forms R1639S.
Identifiers: ClinVar variation 3291868 (VCV003291868.1).

ClinVar aggregate classification (germline): Uncertain significance (1 of 4 stars; one submission).

Conditions:
Inborn genetic diseases. Identifiers: MedGen C0950123, MeSH D030342.

gnomAD v4.1: 15 of 1,611,468 alleles (0.00093%); highest among the groups gnomAD compares: South Asian, 0.017%; no homozygotes.

Submission:

Ambry Genetics
Classification: Uncertain significance for Inborn genetic diseases. Last evaluated: 2024-03-27. Review status: criteria provided, single submitter. Criteria: Ambry Variant Classification Scheme 2023. Collection method: clinical testing. Allele origin: germline.
Comment: The p.R1639S variant (also known as c.4917G>C), located in coding exon 34 of the LRRK2 gene, results from a G to C substitution at nucleotide position 4917. The arginine at codon 1639 is replaced by serine, an amino acid with dissimilar properties. This amino acid position is conserved. In addition, this alteration is predicted to be tolerated by in silico analysis. Based on the available evidence, the clinical significance of this alteration remains unclear.